The following is an entry in ClinVar:

NM_001128228.3(TPRN):c.1669G>A (p.Gly557Ser)

Gene: TPRN (taperin; minus strand). Cytogenetic location: 9q34.3.
Variant type: single nucleotide variant.
Coding change: c.1669G>A on transcript NM_001128228.3 (MANE Select); coding-DNA position 1669, G replaced by A.
Protein change: p.Gly557Ser; replaces glycine 557 with serine.
Molecular consequence: missense variant.
Genome position (GRCh38, 1-based): chr9:137,199,043, C>T on the plus strand (G>A on the coding strand, the complement: TPRN is on the minus strand). VCF-style: chr9-137199043-C-T. GRCh37 (hg19) VCF-style: chr9-140093495-C-T.
Other names: p.Gly557Ser; short protein forms G557S.
Identifiers: ClinVar variation 1254681 (VCV001254681.9), dbSNP rs144769563, ClinGen allele CA5362681.
Genomic context (GRCh38, chr9:137,199,043, plus strand): 5'-TGACCTTCTTTCTTGAGGAGCCAGCCTTGGTGAGGCAGGACTTCTGCAGGGCCAGGTAGC[C>T]GCCAATCACCTCGATCTCATGCACGGTGGGGTAGCGCTTCTTCAACGTGGGCCCCAGGAG-3'
Protein context (NP_001121700.2, residues 547-567): PTVHEIEVIG[Gly557Ser]YLALQKSCLT

ClinVar aggregate classification (germline): Uncertain significance. Review status: criteria provided, multiple submitters, no conflicts (2 of 4 stars). 6 submissions from 6 submitters: Uncertain significance (5). 1 of the submissions does not count toward it. Last evaluated 2025-08-19.

Conditions:
TPRN-related disorder. Also called: TPRN-related condition.
Inborn genetic diseases. Identifiers: MedGen C0950123, MeSH D030342.

Allele frequency attached by ClinVar (database versions not stated): ExAC 0.00016; gnomAD exomes 0.00019 and 0.00061; gnomAD 0.00029 and 0.00031; TOPMed 0.00029; ESP Exome Variant Server 0.00038; 1000 Genomes Project 0.00040; 1000 Genomes Project 30x 0.00047.
gnomAD v4.1: 918 of 1,613,258 alleles (0.057%); highest among the groups gnomAD compares: Non-Finnish European, 0.074%; no homozygotes.

Submissions (6):

Ambry Genetics
Classification: Uncertain significance for Inborn genetic diseases. Last evaluated: 2025-08-19. Review status: criteria provided, single submitter. Criteria: Ambry Variant Classification Scheme 2023. Collection method: clinical testing. Allele origin: germline.

GeneDx
Classification: Uncertain significance. Last evaluated: 2025-08-11. Review status: criteria provided, single submitter. Criteria: GeneDx Variant Classification Process June 2021. Collection method: clinical testing. Allele origin: germline. Affected: yes.
Comment: Identified in a patient with bilateral hearing loss who harbored additional variants in several other genes in published literature (PMID: 34515852); In silico analysis supports that this missense variant has a deleterious effect on protein structure/function; This variant is associated with the following publications: (PMID: 34515852)

Mayo Clinic Laboratories, Mayo Clinic
Classification: Uncertain significance. Last evaluated: 2022-10-28. Review status: criteria provided, single submitter. Criteria: ACMG Guidelines, 2015. Collection method: clinical testing. Allele origin: germline. Observed: 1 variant allele.
Comment: PP3, PM2_supporting

Labcorp Genetics (formerly Invitae), Labcorp
Classification: Uncertain significance. Last evaluated: 2022-09-27. Review status: criteria provided, single submitter. Criteria: Invitae Variant Classification Sherloc (09022015). Collection method: clinical testing. Allele origin: germline.
Comment: This sequence change replaces glycine, which is neutral and non-polar, with serine, which is neutral and polar, at codon 557 of the TPRN protein (p.Gly557Ser). This variant is present in population databases (rs144769563, gnomAD 0.03%). This variant has not been reported in the literature in individuals affected with TPRN-related conditions. ClinVar contains an entry for this variant (Variation ID: 1254681). Advanced modeling of protein sequence and biophysical properties (such as structural, functional, and spatial information, amino acid conservation, physicochemical variation, residue mobility, and thermodynamic stability) performed at Invitae indicates that this missense variant is expected to disrupt TPRN protein function. In summary, the available evidence is currently insufficient to determine the role of this variant in disease. Therefore, it has been classified as a Variant of Uncertain Significance.

Breakthrough Genomics
Classification: Uncertain significance. Review status: criteria provided, single submitter. Criteria: ACMG Guidelines, 2015. Collection method: not provided. Allele origin: germline. Inheritance: Autosomal recessive inheritance. Affected: yes.

PreventionGenetics, part of Exact Sciences
Classification: Uncertain significance for TPRN-related condition. Last evaluated: 2024-09-06. Review status: no assertion criteria provided. Collection method: clinical testing. Allele origin: germline. Not counted in ClinVar's aggregate classification.
Comment: The TPRN c.1669G>A variant is predicted to result in the amino acid substitution p.Gly557Ser. To our knowledge, this variant has not been reported in the literature. This variant is reported in 0.035% of alleles in individuals of European (Non-Finnish) descent in gnomAD. At this time, the clinical significance of this variant is uncertain due to the absence of conclusive functional and genetic evidence.